The following is an entry in ClinVar:

NM_001037333.3(CYFIP2):c.1184G>A (p.Arg395Gln)

Gene: CYFIP2 (cytoplasmic FMR1 interacting protein 2; plus strand). Cytogenetic location: 5q33.3.
Variant type: single nucleotide variant.
Coding change: c.1184G>A on transcript NM_001037333.3 (MANE Select); coding-DNA position 1184, G replaced by A.
Protein change: p.Arg395Gln; replaces arginine 395 with glutamine.
Molecular consequence: missense variant.
Genome position (GRCh38, 1-based): chr5:157,314,417, G>A. VCF-style: chr5-157314417-G-A. GRCh37 (hg19) VCF-style: chr5-156741425-G-A.
Other names: c.1106G>A, p.Arg369Gln (NM_001291721.2); c.1184G>A, p.Arg395Gln (NM_001291722.2, NM_014376.4); short protein forms R369Q, R395Q.
Identifiers: ClinVar variation 871620 (VCV000871620.47), dbSNP rs1459314371, ClinGen allele CA361968349.

ClinVar aggregate classification (germline): Uncertain significance. Review status: criteria provided, multiple submitters, no conflicts (2 of 4 stars). 2 submissions from 2 submitters: Uncertain significance (2). Last evaluated 2023-07-13.

Allele frequency attached by ClinVar (database versions not stated): gnomAD exomes below 0.00001; gnomAD 0.00001; TOPMed 0.00001.
gnomAD v4.1: 6 of 1,613,798 alleles (0.00037%); highest among the groups gnomAD compares: East Asian, 0.0022%; no homozygotes.

Submissions (2):

Labcorp Genetics (formerly Invitae), Labcorp
Classification: Uncertain significance. Last evaluated: 2023-07-13. Review status: criteria provided, single submitter. Criteria: Invitae Variant Classification Sherloc (09022015). Collection method: clinical testing. Allele origin: germline.
Comment: Experimental studies and prediction algorithms are not available or were not evaluated, and the functional significance of this variant is currently unknown. ClinVar contains an entry for this variant (Variation ID: 871620). This variant has not been reported in the literature in individuals affected with CYFIP2-related conditions. This variant is present in population databases (no rsID available, gnomAD 0.006%). This sequence change replaces arginine, which is basic and polar, with glutamine, which is neutral and polar, at codon 395 of the CYFIP2 protein (p.Arg395Gln). In summary, the available evidence is currently insufficient to determine the role of this variant in disease. Therefore, it has been classified as a Variant of Uncertain Significance.

CeGaT Center for Human Genetics Tuebingen
Classification: Uncertain significance. Last evaluated: 2019-08-01. Review status: criteria provided, single submitter. Criteria: CeGaT Center For Human Genetics Tuebingen Variant Classification Criteria Version 2. Collection method: clinical testing. Allele origin: germline. Affected: yes. Observed: 1 variant allele.